The following is an entry in ClinVar:

NM_006642.5(SDCCAG8):c.416G>T (p.Cys139Phe)

Gene: SDCCAG8 (SHH signaling and ciliogenesis regulator SDCCAG8; plus strand). Cytogenetic location: 1q43.
Variant type: single nucleotide variant.
Coding change: c.416G>T on transcript NM_006642.5 (MANE Select); coding-DNA position 416, G replaced by T.
Protein change: p.Cys139Phe; replaces cysteine 139 with phenylalanine.
Molecular consequence: missense variant. On other transcripts: 5 prime UTR variant (3).
Genome position (GRCh38, 1-based): chr1:243,274,652, G>T. VCF-style: chr1-243274652-G-T. GRCh37 (hg19) VCF-style: chr1-243437954-G-T.
Other names: c.-697G>T (NM_001350246.2); c.-585G>T (NM_001350247.2); c.416G>T, p.Cys139Phe (NM_001350248.2); c.122G>T, p.Cys41Phe (NM_001350249.2); c.-958G>T (NM_001350251.2); c.416G>T (NM_006642.3); short protein forms C139F, C41F.
Identifiers: ClinVar variation 1010279 (VCV001010279.11), dbSNP rs773522256, ClinGen allele CA1483296.

ClinVar aggregate classification (germline): Uncertain significance. Review status: criteria provided, multiple submitters, no conflicts (2 of 4 stars). 2 submissions from 2 submitters: Uncertain significance (2). Last evaluated 2023-12-21.

Conditions:
Senior-Loken syndrome 7 (SLSN7). Identifiers: Orphanet 3156, MedGen C3150877, MONDO:0013326, OMIM 613615.
Bardet-Biedl syndrome 16 (BBS16). Identifiers: Orphanet 110, MedGen C3889474, MONDO:0014444, OMIM 615993.
Inborn genetic diseases. Identifiers: MedGen C0950123, MeSH D030342.

Allele frequency attached by ClinVar (database versions not stated): gnomAD exomes below 0.00001; ExAC 0.00001.
gnomAD v4.1: 1 of 1,546,724 alleles (0.000065%); highest among the groups gnomAD compares: Non-Finnish European, 0.000089%; no homozygotes.

Submissions (2):

Ambry Genetics
Classification: Uncertain significance for Inborn genetic diseases. Last evaluated: 2023-12-21. Review status: criteria provided, single submitter. Criteria: Ambry Variant Classification Scheme 2023. Collection method: clinical testing. Allele origin: germline.

Labcorp Genetics (formerly Invitae), Labcorp
Classification: Uncertain significance for Bardet-Biedl syndrome 16; Senior-Loken syndrome 7. Last evaluated: 2022-07-26. Review status: criteria provided, single submitter. Criteria: Invitae Variant Classification Sherloc (09022015). Collection method: clinical testing. Allele origin: germline.
Comment: Algorithms developed to predict the effect of missense changes on protein structure and function are either unavailable or do not agree on the potential impact of this missense change (SIFT: "Tolerated"; PolyPhen-2: "Possibly Damaging"; Align-GVGD: "Class C0"). In summary, the available evidence is currently insufficient to determine the role of this variant in disease. Therefore, it has been classified as a Variant of Uncertain Significance. ClinVar contains an entry for this variant (Variation ID: 1010279). This sequence change replaces cysteine, which is neutral and slightly polar, with phenylalanine, which is neutral and non-polar, at codon 139 of the SDCCAG8 protein (p.Cys139Phe). This variant is present in population databases (rs773522256, gnomAD 0.0009%). This variant has not been reported in the literature in individuals affected with SDCCAG8-related conditions.